The following is an entry in ClinVar:

ClinVar aggregate classification (germline): Uncertain significance. Review status: criteria provided, multiple submitters, no conflicts (2 of 4 stars). 2 submissions from 2 submitters: Uncertain significance (2). Last evaluated 2025-02-17.

Conditions:
Hereditary cancer-predisposing syndrome. Also called: Neoplastic Syndromes, Hereditary; Tumor predisposition; Hereditary Cancer Syndrome; Hereditary neoplastic syndrome. Identifiers: Orphanet 140162, MedGen C0027672, MeSH D009386, MONDO:0015356.
Retinoblastoma (RB1). Also called: RETINOBLASTOMA, SOMATIC. Identifiers: Orphanet 790, MedGen C0035335, MeSH D012175, MONDO:0008380, OMIM 180200, HP:0009919. Disease mechanism: loss of function. Inheritance: Both sporadic and heritable forms are tested..

Submissions (2):

Labcorp Genetics (formerly Invitae), Labcorp
Classification: Uncertain significance for Retinoblastoma. Last evaluated: 2025-02-17. Review status: criteria provided, single submitter. Criteria: Invitae Variant Classification Sherloc (09022015). Collection method: clinical testing. Allele origin: germline.
Comment: This sequence change replaces aspartic acid, which is acidic and polar, with glycine, which is neutral and non-polar, at codon 578 of the RB1 protein (p.Asp578Gly). This variant is not present in population databases (gnomAD no frequency). This variant has not been reported in the literature in individuals affected with RB1-related conditions. ClinVar contains an entry for this variant (Variation ID: 1779023). Invitae Evidence Modeling of protein sequence and biophysical properties (such as structural, functional, and spatial information, amino acid conservation, physicochemical variation, residue mobility, and thermodynamic stability) indicates that this missense variant is not expected to disrupt RB1 protein function with a negative predictive value of 80%. In summary, the available evidence is currently insufficient to determine the role of this variant in disease. Therefore, it has been classified as a Variant of Uncertain Significance.

Ambry Genetics
Classification: Uncertain significance for Hereditary cancer-predisposing syndrome. Last evaluated: 2022-05-12. Review status: criteria provided, single submitter. Criteria: Ambry Variant Classification Scheme 2023. Collection method: clinical testing. Allele origin: germline.
Comment: The p.D578G variant (also known as c.1733A>G), located in coding exon 18 of the RB1 gene, results from an A to G substitution at nucleotide position 1733. The aspartic acid at codon 578 is replaced by glycine, an amino acid with similar properties. This amino acid position is conserved. In addition, the in silico prediction for this alteration is inconclusive. Since supporting evidence is limited at this time, the clinical significance of this alteration remains unclear.

NM_000321.3(RB1):c.1733A>G (p.Asp578Gly)

Gene: RB1 (RB transcriptional corepressor 1; plus strand). Cytogenetic location: 13q14.2.
Variant type: single nucleotide variant.
Coding change: c.1733A>G on transcript NM_000321.3 (MANE Select); coding-DNA position 1733, A replaced by G.
Protein change: p.Asp578Gly; replaces aspartic acid 578 with glycine.
Molecular consequence: missense variant.
Genome position (GRCh38, 1-based): chr13:48,453,030, A>G. VCF-style: chr13-48453030-A-G. GRCh37 (hg19) VCF-style: chr13-49027166-A-G.
Other names: c.1733A>G, p.Asp578Gly (NM_001407165.1); short protein forms D578G.
Identifiers: ClinVar variation 1779023 (VCV001779023.3), dbSNP rs2542360683, ClinGen allele CA388165503.
Genomic context (GRCh38, chr13:48,453,030, plus strand): 5'-TAATTTCATCATGTTTCATATAGGATTCACCTTTATTTGATCTTATTAAACAATCAAAGG[A>G]CCGAGAAGGACCAACTGATCACCTTGAATCTGCTTGTCCTCTTAATCTTCCTCTCCAGAA-3'
Protein context (NP_000312.2, residues 568-588): PLFDLIKQSK[Asp578Gly]REGPTDHLES